The following is an entry in ClinVar:

NM_170754.4(TNS2):c.2649C>T (p.Gly883=)

Gene: TNS2 (tensin 2; plus strand). Cytogenetic location: 12q13.13.
Variant type: single nucleotide variant.
Coding change: c.2649C>T on transcript NM_170754.4 (MANE Select); coding-DNA position 2649, C replaced by T.
Protein change: p.Gly883=; no amino-acid change (glycine 883 retained).
Molecular consequence: synonymous variant.
Genome position (GRCh38, 1-based): chr12:53,060,436, C>T. VCF-style: chr12-53060436-C-T. GRCh37 (hg19) VCF-style: chr12-53454220-C-T.
Other names: c.2649C>T, p.Gly883= (NM_001416202.1); c.2607C>T, p.Gly869= (NM_001416203.1); c.2676C>T, p.Gly892= (NM_001416204.1); c.2580C>T, p.Gly860= (NM_015319.3); c.2277C>T, p.Gly759= (NM_198316.2); c.2679C>T (NM_015319.2).
Identifiers: ClinVar variation 3650409 (VCV003650409.3).

ClinVar aggregate classification (germline): Benign/Likely benign. Review status: criteria provided, multiple submitters, no conflicts (2 of 4 stars). 2 submissions from 2 submitters: Benign (1); Likely benign (1). Last evaluated 2025-10-13.

Conditions:
TNS2-related disorder. Also called: TNS2-related condition.

gnomAD v4.1: 193 of 1,613,400 alleles (0.012%); highest among the groups gnomAD compares: African/African-American, 0.24%; 1 homozygote.

Submissions (2):

Labcorp Genetics (formerly Invitae), Labcorp
Classification: Benign. Last evaluated: 2025-10-13. Review status: criteria provided, single submitter. Criteria: Invitae Variant Classification Sherloc (09022015). Collection method: clinical testing. Allele origin: germline.

PreventionGenetics, part of Exact Sciences
Classification: Likely benign for TNS2-related condition. Last evaluated: 2025-03-18. Review status: criteria provided, single submitter. Criteria: ACMG Guidelines, 2015. Collection method: clinical testing. Allele origin: germline.
Comment: This variant is classified as likely benign based on ACMG/AMP sequence variant interpretation guidelines (Richards et al. 2015 PMID: 25741868, with internal and published modifications).